The following is an entry in ClinVar:

ClinVar aggregate classification (germline): Uncertain significance (1 of 4 stars; one submission).

Submission:

GeneDx
Classification: Uncertain significance. Last evaluated: 2022-10-07. Review status: criteria provided, single submitter. Criteria: GeneDx Variant Classification Process June 2021. Collection method: clinical testing. Allele origin: germline. Affected: yes.
Comment: Not observed at significant frequency in large population cohorts (gnomAD); In silico analysis supports that this missense variant has a deleterious effect on protein structure/function; Has not been previously published as pathogenic or benign to our knowledge; Although located in a calcium-binding EGF-like domain of the FBN2 gene, it does not substitute or introduce a cysteine residue (Callewaert et al., 2009; Frederic et al., 2009); This variant is associated with the following publications: (PMID: 19006240, 18767143)

NM_001999.4(FBN2):c.4157A>G (p.Asn1386Ser)

Gene: FBN2 (fibrillin 2; minus strand). Cytogenetic location: 5q23.3.
Variant type: single nucleotide variant.
Coding change: c.4157A>G on transcript NM_001999.4 (MANE Select); coding-DNA position 4157, A replaced by G.
Protein change: p.Asn1386Ser; replaces asparagine 1386 with serine.
Molecular consequence: missense variant.
Genome position (GRCh38, 1-based): chr5:128,332,977, T>C on the plus strand (A>G on the coding strand, the complement: FBN2 is on the minus strand). VCF-style: chr5-128332977-T-C. GRCh37 (hg19) VCF-style: chr5-127668669-T-C.
Other names: short protein forms N1386S.
Identifiers: ClinVar variation 2497779 (VCV002497779.1), dbSNP rs2479791941, ClinGen allele CA360755054.
Genomic context (GRCh38, chr5:128,332,977, plus strand): 5'-CACTTGATGCCGTTTCCAATCCAGCCTTCTCTGCAGCTACACTTGAAGCTTCCTGGGATA[T>C]TCAGACATGAGGCATGCATGTCGCAGTTATGAGCACCAATTTCACACTCATCCACATCTG-3'
Protein context (NP_001990.2, residues 1376-1396): HNCDMHASCL[Asn1386Ser]IPGSFKCSCR